The following is an entry in ClinVar:

NM_015557.3(CHD5):c.390G>A (p.Glu130=)

Gene: CHD5 (chromodomain helicase DNA binding protein 5; minus strand). Cytogenetic location: 1p36.31.
Variant type: single nucleotide variant.
Coding change: c.390G>A on transcript NM_015557.3 (MANE Select); coding-DNA position 390, G replaced by A.
Protein change: p.Glu130=; no amino-acid change (glutamic acid 130 retained).
Molecular consequence: synonymous variant.
Genome position (GRCh38, 1-based): chr1:6,155,715, C>T on the plus strand (G>A on the coding strand, the complement: CHD5 is on the minus strand). VCF-style: chr1-6155715-C-T. GRCh37 (hg19) VCF-style: chr1-6215775-C-T.
Identifiers: ClinVar variation 3902076 (VCV003902076.1).

ClinVar aggregate classification (germline): Uncertain significance (1 of 4 stars; one submission).

Conditions:
Parenti-mignot neurodevelopmental syndrome. Identifiers: MedGen C5676984, MONDO:0859249, OMIM 619873.

gnomAD v4.1: 11 of 1,613,448 alleles (0.00068%); highest among the groups gnomAD compares: South Asian, 0.0011%; no homozygotes.

Submission:

Laboratorio de Genetica e Diagnostico Molecular, Hospital Israelita Albert Einstein
Classification: Uncertain significance for Parenti-mignot neurodevelopmental syndrome. Last evaluated: 2024-01-11. Review status: criteria provided, single submitter. Criteria: ACMG Guidelines, 2015. Collection method: clinical testing. Allele origin: germline. Affected: yes.
Comment: ACMG classification criteria: PM2 supporting